The following is an entry in ClinVar:

NM_001267550.2(TTN):c.39664C>A (p.Pro13222Thr)

Gene: TTN (titin; minus strand). Cytogenetic location: 2q31.2.
Variant type: single nucleotide variant.
Coding change: c.39664C>A on transcript NM_001267550.2 (MANE Select); coding-DNA position 39664, C replaced by A.
Protein change: p.Pro13222Thr; replaces proline 13222 with threonine.
Molecular consequence: missense variant. On other transcripts: intron variant (3).
Genome position (GRCh38, 1-based): chr2:178,650,796, G>T on the plus strand (C>A on the coding strand, the complement: TTN is on the minus strand). VCF-style: chr2-178650796-G-T. GRCh37 (hg19) VCF-style: chr2-179515523-G-T.
Other names: p.Pro10788Thr; c.35143C>A, p.Pro11715Thr (NM_001256850.1); c.32362C>A, p.Pro10788Thr (NM_133378.4); c.13283-8479C>A (NM_003319.4); c.13859-8479C>A (NM_133437.4); c.13658-8479C>A (NM_133432.3); short protein forms P10788T, P11715T, P13222T.
Identifiers: ClinVar variation 2682780 (VCV002682780.1), dbSNP rs2472316493, ClinGen allele CA349452882.

ClinVar aggregate classification (germline): Uncertain significance (1 of 4 stars; one submission).

Submission:

Mayo Clinic Laboratories, Mayo Clinic
Classification: Uncertain significance. Last evaluated: 2023-05-04. Review status: criteria provided, single submitter. Criteria: ACMG Guidelines, 2015. Collection method: clinical testing. Allele origin: germline. Observed: 1 variant allele.
Comment: BP4, PM2